The following is an entry in ClinVar:

ClinVar aggregate classification (germline): Uncertain significance (1 of 4 stars; one submission).

gnomAD v4.1: 1 of 1,614,162 alleles (0.000062%); highest among the groups gnomAD compares: Non-Finnish European, 0.000085%; no homozygotes.

Submission:

Ambry Genetics
Classification: Uncertain significance. Last evaluated: 2025-06-13. Review status: criteria provided, single submitter. Criteria: Ambry Variant Classification Scheme 2023. Collection method: clinical testing. Allele origin: germline.
Comment: The p.H922R variant (also known as c.2765A>G), located in coding exon 1 of the TET2 gene, results from an A to G substitution at nucleotide position 2765. The histidine at codon 922 is replaced by arginine, an amino acid with highly similar properties. This amino acid position is conserved. In addition, this alteration is predicted to be tolerated by in silico analysis. Based on the available evidence, the clinical significance of this variant remains unclear.

NM_001127208.3(TET2):c.2765A>G (p.His922Arg)

Genes: TET2 (tet methylcytosine dioxygenase 2; plus strand), TET2-AS1 (TET2 antisense RNA 1; minus strand). Cytogenetic location: 4q24.
Variant type: single nucleotide variant.
Coding change: c.2765A>G on transcript NM_001127208.3 (MANE Select); coding-DNA position 2765, A replaced by G.
Protein change: p.His922Arg; replaces histidine 922 with arginine.
Molecular consequence: missense variant.
Genome position (GRCh38, 1-based): chr4:105,236,707, A>G. VCF-style: chr4-105236707-A-G. GRCh37 (hg19) VCF-style: chr4-106157864-A-G.
Other names: c.2765A>G, p.His922Arg (NM_017628.4); short protein forms H922R.
Identifiers: ClinVar variation 3967714 (VCV003967714.1).